The following is an entry in ClinVar:

ClinVar aggregate classification (germline): Conflicting classifications of pathogenicity. Review status: criteria provided, conflicting classifications (1 of 4 stars). 7 submissions from 7 submitters: Pathogenic (1); Likely pathogenic (1); Uncertain significance (4). 1 of the submissions does not count toward it. Last evaluated 2026-06-03.

Conditions:
Hematuria, benign familial, 1 (BFH1). Also called: THIN MEMBRANE NEPHROPATHY. Identifiers: MedGen CN376803, MONDO:0007709, OMIM 141200.
Autosomal recessive Alport syndrome (ATS2). Also called: ALPORT SYNDROME 2, AUTOSOMAL RECESSIVE; COL4A4 Alport Syndrome and Thin Basement Membrane Nephropathy; COL4A3-Related Nephropathy; Alport syndrome type 2. Identifiers: Orphanet 63, Orphanet 88919, MedGen C4746745, MONDO:0008762, OMIM 203780.
Alport syndrome. Also called: Hemorrhagic familial nephritis; Hemorrhagic hereditary nephritis; Congenital hereditary hematuria. Identifiers: Orphanet 63, MedGen C1567741, MONDO:0018965.
Autosomal dominant Alport syndrome (ATS3A). Also called: ALPORT SYNDROME 3A, AUTOSOMAL DOMINANT; Alport syndrome dominant type; Renal failure and sensorineural hearing loss. Identifiers: Orphanet 63, Orphanet 88918, MedGen C5882663, MONDO:0007086, OMIM 104200.

Allele frequency attached by ClinVar (database versions not stated): TOPMed below 0.00001; ExAC 0.00001; gnomAD 0.00001; gnomAD exomes 0.00002 and 0.00003.
gnomAD v4.1: 39 of 1,613,284 alleles (0.0024%); highest among the groups gnomAD compares: Non-Finnish European, 0.0031%; no homozygotes.

Submissions (7):

Centre de Génétique Humaine, Institut de Pathologie Et de Génétique
Classification: Likely pathogenic for Hematuria, benign familial, 1; Autosomal dominant Alport syndrome. Last evaluated: 2026-06-03. Review status: criteria provided, single submitter. Criteria: ACMG Guidelines, 2015. Collection method: clinical testing. Allele origin: maternal, germline. Inheritance: Autosomal dominant inheritance. Affected: yes. Observed: 3 variant alleles, 3 heterozygotes. Clinical features observed: Microscopic hematuria (HP:0002907), Macroscopic hematuria (HP:0012587), Mild albuminuria (HP:0033065), Multiple renal cysts (HP:0005562), Stage 3 chronic kidney disease (HP:0012625). Segregation with disease observed.
Comment: Synonymous variant adjacent to donor splice site of intron 4. Analysis of the transcript performed in our laboratory confirmed the skip of exon 4 inducing an inframe loss of 26 amino acids (last residues of amino-terminal domaine and first residues of first collagenous domaine (PS3). This variant is rare: allelic frequency of 0.0024% in gnomAD v4.1.0 database (PM2).

CeGaT Center for Human Genetics Tuebingen
Classification: Uncertain significance. Last evaluated: 2026-04-01. Review status: criteria provided, single submitter. Criteria: CeGaT Center For Human Genetics Tuebingen Variant Classification Criteria Version 2. Collection method: clinical testing. Allele origin: germline. Affected: yes. Observed: 1 variant allele.
Comment: COL4A4: PM2, BP4

Victorian Clinical Genetics Services, Murdoch Childrens Research Institute
Classification: Uncertain significance for Alport syndrome. Last evaluated: 2025-06-17. Review status: criteria provided, single submitter. Criteria: ACMG Guidelines, 2015. Collection method: clinical testing. Allele origin: germline. Affected: yes.
Comment: This variant is classified as VUS-3A. Evidence in support of pathogenic classification: Non-canonical splice site variant without proven consequence on splicing (no functional evidence available); Variant is present in gnomAD <0.01 (v4: 39 heterozygote(s), 0 homozygote(s)) ; This variant has moderate previous evidence of pathogenicity in unrelated individuals. This variant has been classified as pathogenic by one clinical laboratory in ClinVar, who observed it in three unrelated individuals with Alport syndrome or haematuria. In two of these cases, the variant was heterozygous and in the other, the variant was compound heterozygous with a frameshift variant (via personal correspondence). This variant has also been classified as a VUS by two clinical laboratories in ClinVar; Abnormal splicing is predicted by in silico tool and affected nucleotide is highly conserved. Additional information: This variant is heterozygous; This gene is associated with both recessive and dominant disease. Alport syndrome typically has biallelic inheritance, although rare cases of monoallelic inheritance have been reported (PMID: 28704582). Thin basement membrane nephropathy (TBMN) and focal segmental glomerulosclerosis (FSGS) are associated with autosomal dominant inheritance (OMIM, PMIDs: 16467446, 17942953); Segregation evidence for this variant is inconclusive. This variant has been shown to segregate in three affected members of a family, however this is insufficient evidence to give pathogenic weight (via personal correspondence); No published functional evidence has been identified for this variant; No comparable non-canonical splice variants have previous evidence for pathogenicity; Loss of function is a known mechanism of disease for this gene and is associated with Alport syndrome. Dominant negative is a suspected mechanism of disease for this gene as it is a structural protein (PMIDs: 12028435, 24046192); Inheritance information for this variant is not currently available in this individual.

Fulgent Genetics
Classification: Uncertain significance for Hematuria, benign familial, 1; Autosomal recessive Alport syndrome. Last evaluated: 2024-05-02. Review status: criteria provided, single submitter. Criteria: ACMG Guidelines, 2015. Collection method: clinical testing. Allele origin: germline.

Labcorp Genetics (formerly Invitae), Labcorp
Classification: Pathogenic. Last evaluated: 2023-11-24. Review status: criteria provided, single submitter. Criteria: Invitae Variant Classification Sherloc (09022015). Collection method: clinical testing. Allele origin: germline.
Comment: This sequence change affects codon 64 of the COL4A4 mRNA. It is a 'silent' change, meaning that it does not change the encoded amino acid sequence of the COL4A4 protein. This variant also falls at the last nucleotide of exon 4, which is part of the consensus splice site for this exon. This variant is present in population databases (rs748152418, gnomAD 0.01%). This variant has been observed in individual(s) with clinical features of Alport syndrome (Invitae). In at least one individual the data is consistent with being in trans (on the opposite chromosome) from a pathogenic variant. It has also been observed to segregate with disease in related individuals. ClinVar contains an entry for this variant (Variation ID: 999493). Variants that disrupt the consensus splice site are a relatively common cause of aberrant splicing (PMID: 17576681, 9536098). Algorithms developed to predict the effect of sequence changes on RNA splicing suggest that this variant may disrupt the consensus splice site. For these reasons, this variant has been classified as Pathogenic.

Blueprint Genetics
Classification: Uncertain significance. Last evaluated: 2018-02-21. Review status: criteria provided, single submitter. Criteria: ACMG Guidelines, 2015. Collection method: clinical testing. Allele origin: germline.

Natera, Inc.
Classification: Uncertain significance for Alport syndrome. Last evaluated: 2020-09-11. Review status: no assertion criteria provided. Collection method: clinical testing. Allele origin: germline. Not counted in ClinVar's aggregate classification.

Literature cited by the submitters: PubMed 24046192 (cited by Victorian Clinical Genetics Services, Murdoch Childrens Research Institute); PubMed 16467446 (cited by Victorian Clinical Genetics Services, Murdoch Childrens Research Institute); PubMed 12028435 (cited by Victorian Clinical Genetics Services, Murdoch Childrens Research Institute); PubMed 28704582 (cited by Victorian Clinical Genetics Services, Murdoch Childrens Research Institute); PubMed 17942953 (cited by Victorian Clinical Genetics Services, Murdoch Childrens Research Institute); PubMed 17576681 (cited by Labcorp Genetics (formerly Invitae), Labcorp); PubMed 9536098 (cited by Labcorp Genetics (formerly Invitae), Labcorp).

NM_000092.5(COL4A4):c.192G>A (p.Arg64=)

Gene: COL4A4 (collagen type IV alpha 4 chain; minus strand). Cytogenetic location: 2q36.3.
Variant type: single nucleotide variant.
Coding change: c.192G>A on transcript NM_000092.5 (MANE Select); coding-DNA position 192, G replaced by A.
Protein change: p.Arg64=; no amino-acid change (arginine 64 retained).
Molecular consequence: synonymous variant.
Genome position (GRCh38, 1-based): chr2:227,140,161, C>T on the plus strand (G>A on the coding strand, the complement: COL4A4 is on the minus strand). VCF-style: chr2-227140161-C-T. GRCh37 (hg19) VCF-style: chr2-228004877-C-T.
Other names: p.(Arg64=).
Identifiers: ClinVar variation 999493 (VCV000999493.15), dbSNP rs748152418, ClinGen allele CA2145768.